The following is an entry in ClinVar:

ClinVar aggregate classification (germline): Uncertain significance (1 of 4 stars; one submission).

Allele frequency attached by ClinVar (database versions not stated): ExAC 0.00001.
gnomAD v4.1: 1 of 1,613,894 alleles (0.000062%); highest among the groups gnomAD compares: Non-Finnish European, 0.000085%; no homozygotes.

Submission:

Labcorp Genetics (formerly Invitae), Labcorp
Classification: Uncertain significance. Last evaluated: 2022-08-07. Review status: criteria provided, single submitter. Criteria: Invitae Variant Classification Sherloc (09022015). Collection method: clinical testing. Allele origin: germline.
Comment: This sequence change replaces isoleucine, which is neutral and non-polar, with valine, which is neutral and non-polar, at codon 539 of the CSF2RB protein (p.Ile539Val). This variant is present in population databases (rs768796408, gnomAD 0.0009%). This variant has not been reported in the literature in individuals affected with CSF2RB-related conditions. Algorithms developed to predict the effect of missense changes on protein structure and function output the following: SIFT: "Tolerated"; PolyPhen-2: "Benign"; Align-GVGD: "Class C0". The valine amino acid residue is found in multiple mammalian species, which suggests that this missense change does not adversely affect protein function. In summary, the available evidence is currently insufficient to determine the role of this variant in disease. Therefore, it has been classified as a Variant of Uncertain Significance.

NM_000395.3(CSF2RB):c.1615A>G (p.Ile539Val)

Gene: CSF2RB (colony stimulating factor 2 receptor subunit beta; plus strand). Cytogenetic location: 22q12.3.
Variant type: single nucleotide variant.
Coding change: c.1615A>G on transcript NM_000395.3 (MANE Select); coding-DNA position 1615, A replaced by G.
Protein change: p.Ile539Val; replaces isoleucine 539 with valine.
Molecular consequence: missense variant.
Genome position (GRCh38, 1-based): chr22:36,937,423, A>G. VCF-style: chr22-36937423-A-G. GRCh37 (hg19) VCF-style: chr22-37333465-A-G.
Other names: c.1633A>G, p.Ile545Val (NM_001410827.1); short protein forms I539V, I545V.
Identifiers: ClinVar variation 2054192 (VCV002054192.4), dbSNP rs768796408, ClinGen allele CA10213947.